The following is an entry in ClinVar:

NM_000219.6(KCNE1):c.148G>C (p.Val50Leu)

Gene: KCNE1 (potassium voltage-gated channel subfamily E regulatory subunit 1; minus strand). Cytogenetic location: 21q22.12.
Variant type: single nucleotide variant.
Coding change: c.148G>C on transcript NM_000219.6 (MANE Select); coding-DNA position 148, G replaced by C.
Protein change: p.Val50Leu; replaces valine 50 with leucine.
Molecular consequence: missense variant.
Genome position (GRCh38, 1-based): chr21:34,449,487, C>G on the plus strand (G>C on the coding strand, the complement: KCNE1 is on the minus strand). VCF-style: chr21-34449487-C-G. GRCh37 (hg19) VCF-style: chr21-35821785-C-G.
Other names: c.148G>C, p.Val50Leu (NM_001127668.4, NM_001127669.4, NM_001127670.4 and 4 more transcripts); short protein forms V50L.
Identifiers: ClinVar variation 3374171 (VCV003374171.2).
Genomic context (GRCh38, chr21:34,449,487, plus strand): 5'-TCTTGGAGCGGATGTAGCTCAGCATGATGCCCAGGGTGAAGAAGCCGAAGAATCCCAGTA[C>G]CATGAGGACGTAGAGGGCCTCCAGCTTGCCGTCACTGCTGCGGGGGGACCTGCGGGCCAG-3'
Protein context (NP_000210.2, residues 40-60): GKLEALYVLM[Val50Leu]LGFFGFFTLG

Conditions:
Long QT syndrome 5 (LQT5). Identifiers: Orphanet 101016, Orphanet 768, MedGen C1867904, MONDO:0013372, OMIM 613695.

Submission:

Roden Lab, Vanderbilt University Medical Center
No classification provided (evidence only). Condition: Long QT syndrome 5. Review status: no classification provided. Collection method: in vitro. Allele origin: not applicable. Functional consequence: Effect on ion channel function.
ClinVar note: "not provided" was previously submitted as the classification for the variant. However, the classification appeared to be based only on an observation of functional data so it was converted to no classification on 2025-07-30.